The following is an entry in ClinVar:

NM_004517.4(ILK):c.713A>T (p.Glu238Val)

Genes: TAF10 (TATA-box binding protein associated factor 10; minus strand), ILK (integrin linked kinase; plus strand). Cytogenetic location: 11p15.4.
Variant type: single nucleotide variant.
Coding change: c.713A>T on transcript NM_004517.4 (MANE Select); coding-DNA position 713, A replaced by T.
Protein change: p.Glu238Val; replaces glutamic acid 238 with valine.
Molecular consequence: missense variant. On other transcripts: 3 prime UTR variant (1).
Genome position (GRCh38, 1-based): chr11:6,609,393, A>T. VCF-style: chr11-6609393-A-T. GRCh37 (hg19) VCF-style: chr11-6630624-A-T.
Other names: c.713A>T, p.Glu238Val (NM_001014794.3, NM_001014795.3); c.530A>T, p.Glu177Val (NM_001278441.2); c.311A>T, p.Glu104Val (NM_001278442.2); c.*1529T>A (NM_006284.4); short protein forms E104V, E177V, E238V.
Identifiers: ClinVar variation 2451635 (VCV002451635.2), dbSNP rs914470282, ClinGen allele CA379461889.

ClinVar aggregate classification (germline): Uncertain significance (1 of 4 stars; one submission).

Allele frequency attached by ClinVar (database versions not stated): gnomAD exomes below 0.00001.
gnomAD v4.1: 4 of 1,613,968 alleles (0.00025%); highest among the groups gnomAD compares: Middle Eastern, 0.016%; no homozygotes.

Submission:

Ambry Genetics
Classification: Uncertain significance. Last evaluated: 2022-11-19. Review status: criteria provided, single submitter. Criteria: Ambry Variant Classification Scheme 2023. Collection method: clinical testing. Allele origin: germline.
Comment: The p.E238V variant (also known as c.713A>T), located in coding exon 7 of the ILK gene, results from an A to T substitution at nucleotide position 713. The glutamic acid at codon 238 is replaced by valine, an amino acid with dissimilar properties. This amino acid position is conserved. In addition, this alteration is predicted to be deleterious by in silico analysis. Since supporting evidence is limited at this time, the clinical significance of this alteration remains unclear.